The following is an entry in ClinVar:

ClinVar aggregate classification (germline): Uncertain significance (1 of 4 stars; one submission).

Conditions:
Familial visceral amyloidosis, Ostertag type (AMYLD2). Also called: Ostertag type amyloidosis; Familial visceral amyloidosis; Amyloidosis, hepatic and systemic; AMYLOIDOSIS, HEREDITARY SYSTEMIC 2; Hereditary Renal Amyloidosis; AMYLOIDOSIS VIII. Identifiers: Orphanet 85450, MedGen C0268389, MONDO:0007099, OMIM 105200.

Allele frequency attached by ClinVar (database versions not stated): gnomAD exomes 0.00001; TOPMed 0.00001.

Submission:

Johns Hopkins Genomics, Johns Hopkins University
Classification: Uncertain significance for Familial visceral amyloidosis, Ostertag type. Last evaluated: 2019-08-26. Review status: criteria provided, single submitter. Criteria: ACMG Guidelines, 2015. Collection method: clinical testing. Allele origin: germline.
Comment: This FGA variant (rs1309799184) is rare (<0.1%) in large population datasets (gnomAD: 3/251246 total alleles; 0.001194%; no homozygotes). Additionally, c.1760C>G has not been reported in the literature, to our knowledge. The threonine residue at this position is not evolutionarily conserved across the species assessed. Of three bioinformatics tools queried, one predicts that the substitution would be damaging, while two predict that it would be tolerated. Due to insufficient evidence that this variant is deleterious, the clinical significance of c.17060C>G is uncertain at this time.

NM_021871.4(FGA):c.1760C>G (p.Thr587Arg)

Gene: FGA (fibrinogen alpha chain; minus strand). Cytogenetic location: 4q31.3.
Variant type: single nucleotide variant.
Coding change: c.1760C>G on transcript NM_021871.4 (MANE Select); coding-DNA position 1760, C replaced by G.
Protein change: p.Thr587Arg; replaces threonine 587 with arginine.
Molecular consequence: missense variant.
Genome position (GRCh38, 1-based): chr4:154,585,669, G>C on the plus strand (C>G on the coding strand, the complement: FGA is on the minus strand). VCF-style: chr4-154585669-G-C. GRCh37 (hg19) VCF-style: chr4-155506821-G-C.
Other names: c.1760C>G, p.Thr587Arg (NM_000508.5); short protein forms T587R.
Identifiers: ClinVar variation 693992 (VCV000693992.1), dbSNP rs1309799184, ClinGen allele CA358526492.